The following is an entry in ClinVar:

ClinVar aggregate classification (germline): Uncertain significance. Review status: criteria provided, multiple submitters, no conflicts (2 of 4 stars). 2 submissions from 2 submitters: Uncertain significance (2). Last evaluated 2024-12-30.

Conditions:
Ehlers-Danlos syndrome, classic type, 1 (EDSCL1). Also called: Ehlers-Danlos Syndrome, Classic Type, COL5A1-Related; EDS I; Ehlers-Danlos syndrome, type 1; EHLERS-DANLOS SYNDROME, GRAVIS TYPE; EHLERS-DANLOS SYNDROME, SEVERE CLASSIC TYPE. Identifiers: MedGen C0268335, MONDO:0019567, OMIM 130000.
Familial thoracic aortic aneurysm and aortic dissection (TAAD). Also called: Thoracic aortic aneurysms and dissections. Identifiers: Orphanet 91387, MedGen C4707243, MONDO:0019625.

Allele frequency attached by ClinVar (database versions not stated): TOPMed 0.00001; ESP Exome Variant Server 0.00008; ExAC 0.00001; gnomAD exomes 0.00004.
gnomAD v4.1: 53 of 1,613,480 alleles (0.0033%); highest among the groups gnomAD compares: Non-Finnish European, 0.0042%; no homozygotes.

Submissions (2):

Labcorp Genetics (formerly Invitae), Labcorp
Classification: Uncertain significance for Ehlers-Danlos syndrome, classic type, 1. Last evaluated: 2024-12-30. Review status: criteria provided, single submitter. Criteria: Invitae Variant Classification Sherloc (09022015). Collection method: clinical testing. Allele origin: germline.
Comment: This sequence change replaces methionine, which is neutral and non-polar, with threonine, which is neutral and polar, at codon 519 of the COL5A1 protein (p.Met519Thr). This variant is present in population databases (rs202069285, gnomAD 0.0009%). This variant has not been reported in the literature in individuals affected with COL5A1-related conditions. ClinVar contains an entry for this variant (Variation ID: 519640). Invitae Evidence Modeling of protein sequence and biophysical properties (such as structural, functional, and spatial information, amino acid conservation, physicochemical variation, residue mobility, and thermodynamic stability) indicates that this missense variant is not expected to disrupt COL5A1 protein function with a negative predictive value of 95%. In summary, the available evidence is currently insufficient to determine the role of this variant in disease. Therefore, it has been classified as a Variant of Uncertain Significance.

Ambry Genetics
Classification: Uncertain significance for Familial thoracic aortic aneurysm and aortic dissection. Last evaluated: 2016-11-10. Review status: criteria provided, single submitter. Criteria: Ambry Variant Classification Scheme 2023. Collection method: clinical testing. Allele origin: germline.
Comment: The p.M519T variant (also known as c.1556T>C), located in coding exon 12 of the COL5A1 gene, results from a T to C substitution at nucleotide position 1556. The methionine at codon 519 is replaced by threonine, an amino acid with similar properties. This variant was previously reported in the SNPDatabase as rs202069285. Based on data from the NHLBI Exome Sequencing Project (ESP), the C allele has an overall frequency of approximately 0.01% (1/13006) total alleles studied and 0.01% (1/8600) European American alleles. Based on data from ExAC, the C allele has an overall frequency of less than 0.01% (1/106048). This amino acid position is well conserved in available vertebrate species. In addition, the in silico prediction for this alteration is inconclusive. Since supporting evidence is limited at this time, the clinical significance of this alteration remains unclear.

NM_000093.5(COL5A1):c.1556T>C (p.Met519Thr)

Gene: COL5A1 (collagen type V alpha 1 chain; plus strand). Cytogenetic location: 9q34.3.
Variant type: single nucleotide variant.
Coding change: c.1556T>C on transcript NM_000093.5 (MANE Select); coding-DNA position 1556, T replaced by C.
Protein change: p.Met519Thr; replaces methionine 519 with threonine.
Molecular consequence: missense variant.
Genome position (GRCh38, 1-based): chr9:134,750,603, T>C. VCF-style: chr9-134750603-T-C. GRCh37 (hg19) VCF-style: chr9-137642449-T-C.
Other names: c.1556T>C, p.Met519Thr (NM_001278074.1); short protein forms M519T.
Identifiers: ClinVar variation 519640 (VCV000519640.11), dbSNP rs202069285, ClinGen allele CA5318846.